The following is an entry in ClinVar:

NM_006493.4(CLN5):c.879C>A (p.Tyr293Ter)

Gene: CLN5 (CLN5 lysosomal BMP synthase; plus strand). Cytogenetic location: 13q22.3.
Variant type: single nucleotide variant.
Coding change: c.879C>A on transcript NM_006493.4 (MANE Select); coding-DNA position 879, C replaced by A.
Protein change: p.Tyr293Ter; replaces tyrosine 293 with a stop codon.
Molecular consequence: nonsense. On other transcripts: 3 prime UTR variant (1).
Genome position (GRCh38, 1-based): chr13:77,000,771, C>A. VCF-style: chr13-77000771-C-A. GRCh37 (hg19) VCF-style: chr13-77574906-C-A.
Other names: c.1026C>A (LRG_692t1); c.*328C>A (NM_001366624.2); short protein forms Y293*.
Identifiers: ClinVar variation 56525 (VCV000056525.4), dbSNP rs386833963, ClinGen allele CA263873.

ClinVar aggregate classification (germline): Likely pathogenic. Review status: criteria provided, multiple submitters, no conflicts (2 of 4 stars). 3 submissions from 3 submitters: Likely pathogenic (2). 1 of the submissions does not count toward it. Last evaluated 2026-09-01.

Conditions:
Neuronal ceroid lipofuscinosis. Also called: Neuronal Ceroid Lipofuscinoses. Identifiers: Orphanet 216, Orphanet 79263, MedGen C0027877, MONDO:0016295. Disease mechanism: loss of function.
Neuronal ceroid lipofuscinosis 5 (CLN5). Also called: Neuronal ceroid lipofuscinosis Finnish variant; NEURONAL CEROID LIPOFUSCINOSIS, LATE INFANTILE, FINNISH VARIANT; CLN5-Related Neuronal Ceroid-Lipofuscinosis; CEROID LIPOFUSCINOSIS, NEURONAL, 5, VARIABLE AGE AT ONSET. Identifiers: Orphanet 168491, Orphanet 228360, MedGen C1850442, MONDO:0009745, OMIM 256731.

Submissions (3):

CeGaT Center for Human Genetics Tuebingen
Classification: Likely pathogenic. Last evaluated: 2026-09-01. Review status: criteria provided, single submitter. Criteria: CeGaT Center For Human Genetics Tuebingen Variant Classification Criteria Version 2. Collection method: clinical testing. Allele origin: germline. Affected: yes. Observed: 1 variant allele.
Comment: CLN5: PVS1:Strong, PM2, PM3

Natera, Inc.
Classification: Likely pathogenic for Neuronal ceroid lipofuscinosis. Last evaluated: 2025-01-05. Review status: criteria provided, single submitter. Criteria: Natera Variant Classification Schema (03/2026). Collection method: clinical testing. Allele origin: germline.
Comment: The c.1026C>A variant in CLN5 is a nonsense variant predicted to introduce a stop codon at amino acid 342. This variant is expected to result in nonsense mediated decay, truncation, or a dysfunctional protein product. This variant is rare in the general population with a frequency below the threshold expected for the associated phenotype(s). This variant has been observed in one or more individuals affected with the associated recessive disease, as either homozygous or compound heterozygous with a second variant (PMID: 19201763). Given the available evidence, this variant is classified as Likely Pathogenic.

Juha Muilu Group; Institute for Molecular Medicine Finland (FIMM)
Classification: Likely pathogenic for Ceroid lipofuscinosis neuronal 5. Review status: no assertion criteria provided. Collection method: not provided. Allele origin: unknown. Not counted in ClinVar's aggregate classification.
Comment: FinDis database variant: This variant was not found or characterized by our laboratory, data were collected from public sources: see reference
ClinVar note: Converted during submission from probable-pathogenic to Likely pathogenic.

Literature cited by the submitters: PubMed 19201763 (cited by Natera, Inc.).